The following is an entry in ClinVar:

ClinVar aggregate classification (germline): Likely pathogenic (1 of 4 stars; one submission).

Conditions:
Cornelia de Lange syndrome 5 (CDLS5). Also called: HDAC8-Related Cornelia de Lange Syndrome. Identifiers: Orphanet 199, MedGen C3550903, MONDO:0010471, OMIM 300882.

Submissions (2):

Labcorp Genetics (formerly Invitae), Labcorp
Classification: Likely pathogenic for Cornelia de Lange syndrome 5. Last evaluated: 2023-07-07. Review status: criteria provided, single submitter. Criteria: Invitae Variant Classification Sherloc (09022015). Collection method: clinical testing. Allele origin: germline.
Comment: This variant is not present in population databases (gnomAD no frequency). This sequence change affects a donor splice site in intron 9 of the HDAC8 gene. It is expected to disrupt RNA splicing. Variants that disrupt the donor or acceptor splice site typically lead to a loss of protein function (PMID: 16199547), and loss-of-function variants in HDAC8 are known to be pathogenic (PMID: 19605684, 22885700, 24403048, 25075551, 26671848). This variant has not been reported in the literature in individuals affected with HDAC8-related conditions. ClinVar contains an entry for this variant (Variation ID: 1519914). Algorithms developed to predict the effect of sequence changes on RNA splicing suggest that this variant may disrupt the consensus splice site. In summary, the currently available evidence indicates that the variant is pathogenic, but additional data are needed to prove that conclusively. Therefore, this variant has been classified as Likely Pathogenic.

Dr. Peter K. Rogan Lab, Western University
No classification provided (evidence only). Condition: Thyroid cancer, nonmedullary, 1. Review status: no classification provided. Collection method: in vitro. Allele origin: not applicable. Functional consequence: retained intron. Not counted in ClinVar's aggregate classification.

Literature cited by the submitters: PubMed 16199547 (cited by Labcorp Genetics (formerly Invitae), Labcorp); PubMed 19605684 (cited by Labcorp Genetics (formerly Invitae), Labcorp); PubMed 22885700 (cited by Labcorp Genetics (formerly Invitae), Labcorp); PubMed 24403048 (cited by Labcorp Genetics (formerly Invitae), Labcorp); PubMed 25075551 (cited by Labcorp Genetics (formerly Invitae), Labcorp); PubMed 26671848 (cited by Labcorp Genetics (formerly Invitae), Labcorp).

NM_018486.3(HDAC8):c.1005+2T>C

Gene: HDAC8 (histone deacetylase 8; minus strand). Cytogenetic location: Xq13.1.
Variant type: single nucleotide variant.
Coding change: c.1005+2T>C on transcript NM_018486.3 (MANE Select); the canonical splice donor site of the intron after coding-DNA position 1005, T replaced by C.
Molecular consequence: splice donor variant. On other transcripts: 3 prime UTR variant (1).
Genome position (GRCh38, 1-based): chrX:72,462,002, A>G on the plus strand (T>C on the coding strand, the complement: HDAC8 is on the minus strand). VCF-style: chrX-72462002-A-G. GRCh37 (hg19) VCF-style: chrX-71681852-A-G.
Other names: c.*87T>C (NM_001410729.1); c.732+2T>C (NM_001166418.2, NM_001410728.1); c.927+2T>C (NM_001410727.1); c.1005+2T>C (NM_001410725.1).
Identifiers: ClinVar variation 1519914 (VCV001519914.7), dbSNP rs2148039062, ClinGen allele CA413641918.